The following is an entry in ClinVar:

ClinVar aggregate classification (germline): Uncertain significance. Review status: criteria provided, multiple submitters, no conflicts (2 of 4 stars). 2 submissions from 2 submitters: Uncertain significance (2). Last evaluated 2025-12-24.

Conditions:
Focal segmental glomerulosclerosis 7 (FSGS7). Identifiers: Orphanet 656, MedGen C4014925, MONDO:0014451, OMIM 616002.
Renal coloboma syndrome (PAPRS). Also called: OPTIC COLOBOMA, VESICOURETERAL REFLUX, AND RENAL ANOMALIES; OPTIC NERVE COLOBOMA WITH RENAL DISEASE; RENAL-COLOBOMA SYNDROME WITH MACULAR ABNORMALITIES; PAPILLORENAL SYNDROME; COLOBOMA OF OPTIC NERVE WITH RENAL DISEASE; PAPILLORENAL SYNDROME WITH MILD OCULAR ABNORMALITIES. Identifiers: Orphanet 1475, MedGen C1852759, MONDO:0007352, OMIM 120330.
Inborn genetic diseases. Identifiers: MedGen C0950123, MeSH D030342.

Allele frequency attached by ClinVar (database versions not stated): TOPMed below 0.00001; ExAC 0.00001; gnomAD 0.00001.
gnomAD v4.1: 3 of 1,613,362 alleles (0.00019%); highest among the groups gnomAD compares: Non-Finnish European, 0.00025%; no homozygotes.

Submissions (2):

Labcorp Genetics (formerly Invitae), Labcorp
Classification: Uncertain significance for Renal coloboma syndrome; Focal segmental glomerulosclerosis 7. Last evaluated: 2025-12-24. Review status: criteria provided, single submitter. Criteria: Invitae Variant Classification Sherloc (09022015). Collection method: clinical testing. Allele origin: germline.
Comment: This sequence change replaces threonine, which is neutral and polar, with isoleucine, which is neutral and non-polar, at codon 306 of the PAX2 protein (p.Thr306Ile). This variant is present in population databases (rs760180386, gnomAD 0.003%). This variant has not been reported in the literature in individuals affected with PAX2-related conditions. ClinVar contains an entry for this variant (Variation ID: 2932901). Experimental studies and prediction algorithms are not available or were not evaluated, and the functional significance of this variant is currently unknown. In summary, the available evidence is currently insufficient to determine the role of this variant in disease. Therefore, it has been classified as a Variant of Uncertain Significance.

Ambry Genetics
Classification: Uncertain significance for Inborn genetic diseases. Last evaluated: 2024-12-17. Review status: criteria provided, single submitter. Criteria: Ambry Variant Classification Scheme 2023. Collection method: clinical testing. Allele origin: germline.

NM_000278.5(PAX2):c.917C>T (p.Thr306Ile)

Gene: PAX2 (paired box 2; plus strand). Cytogenetic location: 10q24.31.
Variant type: single nucleotide variant.
Coding change: c.917C>T on transcript NM_000278.5 (MANE Select); coding-DNA position 917, C replaced by T.
Protein change: p.Thr306Ile; replaces threonine 306 with isoleucine.
Molecular consequence: missense variant.
Genome position (GRCh38, 1-based): chr10:100,809,234, C>T. VCF-style: chr10-100809234-C-T. GRCh37 (hg19) VCF-style: chr10-102568991-C-T.
Other names: c.1010C>T, p.Thr337Ile (NM_001304569.2); c.986C>T, p.Thr329Ile (NM_003987.5, NM_003990.5); c.917C>T, p.Thr306Ile (NM_003988.5, NM_003989.5); c.986C>T (NM_003987.3); short protein forms T306I, T329I, T337I.
Identifiers: ClinVar variation 2932901 (VCV002932901.4), dbSNP rs760180386, ClinGen allele CA5650892.